The following is an entry in ClinVar:

ClinVar aggregate classification (germline): Uncertain significance (1 of 4 stars; one submission).

Conditions:
Lysinuric protein intolerance (LPI). Identifiers: Orphanet 470, MedGen C0268647, MONDO:0009109, OMIM 222700.

gnomAD v4.1: 1 of 1,614,098 alleles (0.000062%); highest among the groups gnomAD compares: Non-Finnish European, 0.000085%; no homozygotes.

Submission:

Labcorp Genetics (formerly Invitae), Labcorp
Classification: Uncertain significance for Lysinuric protein intolerance. Last evaluated: 2024-02-20. Review status: criteria provided, single submitter. Criteria: Invitae Variant Classification Sherloc (09022015). Collection method: clinical testing. Allele origin: germline.
Comment: This sequence change replaces proline, which is neutral and non-polar, with glutamine, which is neutral and polar, at codon 421 of the SLC7A7 protein (p.Pro421Gln). This variant is not present in population databases (gnomAD no frequency). This variant has not been reported in the literature in individuals affected with SLC7A7-related conditions. An algorithm developed to predict the effect of missense changes on protein structure and function (PolyPhen-2) suggests that this variant is likely to be disruptive. Algorithms developed to predict the effect of sequence changes on RNA splicing suggest that this variant may disrupt the consensus splice site. In summary, the available evidence is currently insufficient to determine the role of this variant in disease. Therefore, it has been classified as a Variant of Uncertain Significance.

NM_003982.4(SLC7A7):c.1262C>A (p.Pro421Gln)

Gene: SLC7A7 (solute carrier family 7 member 7; minus strand). Cytogenetic location: 14q11.2.
Variant type: single nucleotide variant.
Coding change: c.1262C>A on transcript NM_003982.4 (MANE Select); coding-DNA position 1262, C replaced by A.
Protein change: p.Pro421Gln; replaces proline 421 with glutamine.
Molecular consequence: missense variant.
Genome position (GRCh38, 1-based): chr14:22,774,100, G>T on the plus strand (C>A on the coding strand, the complement: SLC7A7 is on the minus strand). VCF-style: chr14-22774100-G-T. GRCh37 (hg19) VCF-style: chr14-23243309-G-T.
Other names: c.1262C>A, p.Pro421Gln (NM_001126105.3, NM_001126106.4); short protein forms P421Q.
Identifiers: ClinVar variation 3640976 (VCV003640976.2).
Genomic context (GRCh38, chr14:22,774,100, plus strand): 5'-ATAGTATCACTGTAAAGTGGAACAGCCACCAGGAAGATGGTGCAGAGGCAGAAGACAATC[G>T]GGAAGAAAACGCTGAGCTAAGGGCACAGGAAACATAACTGGAGTGGACAACTCAGGATTC-3'
Protein context (NP_003973.3, residues 411-431): PRPLKLSVFF[Pro421Gln]IVFCLCTIFL